The following is an entry in ClinVar:

ClinVar aggregate classification (germline): Uncertain significance (1 of 4 stars; one submission).

Submission:

Labcorp Genetics (formerly Invitae), Labcorp
Classification: Uncertain significance. Last evaluated: 2024-04-22. Review status: criteria provided, single submitter. Criteria: Invitae Variant Classification Sherloc (09022015). Collection method: clinical testing. Allele origin: germline.
Comment: This sequence change replaces isoleucine, which is neutral and non-polar, with threonine, which is neutral and polar, at codon 68 of the NDUFV1 protein (p.Ile68Thr). This variant is not present in population databases (gnomAD no frequency). This variant has not been reported in the literature in individuals affected with NDUFV1-related conditions. Advanced modeling of protein sequence and biophysical properties (such as structural, functional, and spatial information, amino acid conservation, physicochemical variation, residue mobility, and thermodynamic stability) performed at Invitae indicates that this missense variant is not expected to disrupt NDUFV1 protein function with a negative predictive value of 80%. In summary, the available evidence is currently insufficient to determine the role of this variant in disease. Therefore, it has been classified as a Variant of Uncertain Significance.

NM_007103.4(NDUFV1):c.203T>C (p.Ile68Thr)

Gene: NDUFV1 (NADH:ubiquinone oxidoreductase core subunit V1; plus strand). Cytogenetic location: 11q13.2.
Variant type: single nucleotide variant.
Coding change: c.203T>C on transcript NM_007103.4 (MANE Select); coding-DNA position 203, T replaced by C.
Protein change: p.Ile68Thr; replaces isoleucine 68 with threonine.
Molecular consequence: missense variant.
Genome position (GRCh38, 1-based): chr11:67,608,599, T>C. VCF-style: chr11-67608599-T-C. GRCh37 (hg19) VCF-style: chr11-67376070-T-C.
Other names: c.176T>C, p.Ile59Thr (NM_001166102.2); short protein forms I59T, I68T.
Identifiers: ClinVar variation 3696062 (VCV003696062.2).